The following is an entry in ClinVar:

NM_005419.4(STAT2):c.418A>G (p.Ser140Gly)

Gene: STAT2 (signal transducer and activator of transcription 2; minus strand). Cytogenetic location: 12q13.3.
Variant type: single nucleotide variant.
Coding change: c.418A>G on transcript NM_005419.4 (MANE Select); coding-DNA position 418, A replaced by G.
Protein change: p.Ser140Gly; replaces serine 140 with glycine.
Molecular consequence: missense variant.
Genome position (GRCh38, 1-based): chr12:56,355,496, T>C on the plus strand (A>G on the coding strand, the complement: STAT2 is on the minus strand). VCF-style: chr12-56355496-T-C. GRCh37 (hg19) VCF-style: chr12-56749280-T-C.
Other names: c.406A>G, p.Ser136Gly (NM_198332.2); short protein forms S136G, S140G.
Identifiers: ClinVar variation 940912 (VCV000940912.1), dbSNP rs758869093, ClinGen allele CA6630873.

ClinVar aggregate classification (germline): Uncertain significance (1 of 4 stars; one submission).

Conditions:
Primary immunodeficiency with post-measles-mumps-rubella vaccine viral infection. Also called: Immunodeficiency 44. Identifiers: Orphanet 431166, MedGen C4225260, MONDO:0014715, OMIM 616636.

Allele frequency attached by ClinVar (database versions not stated): ExAC 0.00001; gnomAD 0.00001.
gnomAD v4.1: 1 of 1,614,050 alleles (0.000062%); highest among the groups gnomAD compares: East Asian, 0.0022%; no homozygotes.

Submission:

Labcorp Genetics (formerly Invitae), Labcorp
Classification: Uncertain significance for Immunodeficiency 44. Last evaluated: 2019-09-27. Review status: criteria provided, single submitter. Criteria: Invitae Variant Classification Sherloc (09022015). Collection method: clinical testing. Allele origin: germline.
Comment: This sequence change replaces serine with glycine at codon 140 of the STAT2 protein (p.Ser140Gly). The serine residue is moderately conserved and there is a small physicochemical difference between serine and glycine. This variant is present in population databases (rs758869093, ExAC 0.01%). This variant has not been reported in the literature in individuals with STAT2-related conditions. Algorithms developed to predict the effect of missense changes on protein structure and function (SIFT, PolyPhen-2, Align-GVGD) all suggest that this variant is likely to be tolerated, but these predictions have not been confirmed by published functional studies and their clinical significance is uncertain. In summary, the available evidence is currently insufficient to determine the role of this variant in disease. Therefore, it has been classified as a Variant of Uncertain Significance.